The following is an entry in ClinVar:

NM_014991.6(WDFY3):c.6151C>T (p.Arg2051Cys)

Gene: WDFY3 (WD repeat and FYVE domain containing 3; minus strand). Cytogenetic location: 4q21.23.
Variant type: single nucleotide variant.
Coding change: c.6151C>T on transcript NM_014991.6 (MANE Select); coding-DNA position 6151, C replaced by T.
Protein change: p.Arg2051Cys; replaces arginine 2051 with cysteine.
Molecular consequence: missense variant.
Genome position (GRCh38, 1-based): chr4:84,741,844, G>A on the plus strand (C>T on the coding strand, the complement: WDFY3 is on the minus strand). VCF-style: chr4-84741844-G-A. GRCh37 (hg19) VCF-style: chr4-85662997-G-A.
Other names: short protein forms R2051C.
Identifiers: ClinVar variation 1803566 (VCV001803566.1), dbSNP rs773014413, ClinGen allele CA2992907.
Genomic context (GRCh38, chr4:84,741,844, plus strand): 5'-AATCTATAAGAAGTTTAGATTCTTTGTTGAACATGCCTTGCCAAAGCTTGTCCACCACAC[G>A]CTGTGTGAAATAAAACACATTGTTCACCAATACCTGGTAGCTTCCTCCACTGGTAATAGG-3'
Protein context (NP_055806.2, residues 2041-2061): LVNNVFYFTQ[Arg2051Cys]VVDKLWQGMF

ClinVar aggregate classification (germline): Uncertain significance (1 of 4 stars; one submission).

Allele frequency attached by ClinVar (database versions not stated): ExAC 0.00001.

Submission:

GeneDx
Classification: Uncertain significance. Last evaluated: 2022-06-06. Review status: criteria provided, single submitter. Criteria: GeneDx Variant Classification Process June 2021. Collection method: clinical testing. Allele origin: germline. Affected: yes.
Comment: Not observed at significant frequency in large population cohorts (gnomAD); In silico analysis supports that this missense variant has a deleterious effect on protein structure/function; Has not been previously published as pathogenic or benign to our knowledge